The following is an entry in ClinVar:

NM_001148.6(ANK2):c.10364G>T (p.Gly3455Val)

Gene: ANK2 (ankyrin 2; plus strand). Cytogenetic location: 4q26.
Variant type: single nucleotide variant.
Coding change: c.10364G>T on transcript NM_001148.6 (MANE Select); coding-DNA position 10364, G replaced by T.
Protein change: p.Gly3455Val; replaces glycine 3455 with valine.
Molecular consequence: missense variant. On other transcripts: intron variant (68).
Genome position (GRCh38, 1-based): chr4:113,358,982, G>T. VCF-style: chr4-113358982-G-T. GRCh37 (hg19) VCF-style: chr4-114280138-G-T.
Other names: c.10130G>T, p.Gly3377Val (NM_001386142.1); c.6764G>T, p.Gly2255Val (NM_001386166.1); c.10505G>T, p.Gly3502Val (NM_001386174.1); c.10481G>T, p.Gly3494Val (NM_001386175.1); c.4412-1841G>T (NM_001386186.2, NM_001386148.2); c.4214-1841G>T (NM_001354269.3); c.4292-1841G>T (NM_001386187.2); c.4253-1841G>T (NM_001386147.1); and 35 more; short protein forms G3455V, G2255V, G3377V, G3494V, G3502V.
Identifiers: ClinVar variation 860146 (VCV000860146.6), dbSNP rs533201814, ClinGen allele CA103817976.

ClinVar aggregate classification (germline): Uncertain significance (1 of 4 stars; one submission).

Conditions:
Long QT syndrome (LQTS). Identifiers: MedGen C0023976, MeSH D008133, MONDO:0002442. Disease mechanism: loss of function. Inheritance: Various modes of inheritance.

Allele frequency attached by ClinVar (database versions not stated): TOPMed below 0.00001.
gnomAD v4.1: 1 of 1,614,092 alleles (0.000062%); highest among the groups gnomAD compares: Middle Eastern, 0.016%; no homozygotes.

Submission:

Labcorp Genetics (formerly Invitae), Labcorp
Classification: Uncertain significance for Long QT syndrome. Last evaluated: 2019-11-21. Review status: criteria provided, single submitter. Criteria: Invitae Variant Classification Sherloc (09022015). Collection method: clinical testing. Allele origin: germline.
Comment: This sequence change replaces glycine with valine at codon 3455 of the ANK2 protein (p.Gly3455Val). The glycine residue is weakly conserved and there is a moderate physicochemical difference between glycine and valine. In summary, the available evidence is currently insufficient to determine the role of this variant in disease. Therefore, it has been classified as a Variant of Uncertain Significance. Algorithms developed to predict the effect of sequence changes on RNA splicing suggest that this variant may create or strengthen a splice site, but this prediction has not been confirmed by published transcriptional studies. Algorithms developed to predict the effect of missense changes on protein structure and function (SIFT, PolyPhen-2, Align-GVGD) all suggest that this variant is likely to be tolerated, but these predictions have not been confirmed by published functional studies and their clinical significance is uncertain. This variant has not been reported in the literature in individuals with ANK2-related conditions. This variant is not present in population databases (ExAC no frequency).